The following is an entry in ClinVar:

ClinVar aggregate classification (germline): Likely benign. Review status: criteria provided, multiple submitters, no conflicts (2 of 4 stars). 2 submissions from 2 submitters: Likely benign (2). Last evaluated 2026-01-12.

Conditions:
Autosomal dominant nonsyndromic hearing loss 20. Identifiers: Orphanet 90635, MedGen C1858172, MONDO:0011480, OMIM 604717.
Baraitser-winter syndrome 2. Identifiers: Orphanet 2995, MedGen C3281235, MONDO:0013812, OMIM 614583.

Allele frequency attached by ClinVar (database versions not stated): ESP Exome Variant Server 0.00008; TOPMed 0.00017; 1000 Genomes Project 0.00020; 1000 Genomes Project 30x 0.00031.
gnomAD v4.1: 159 of 1,609,816 alleles (0.0099%); highest among the groups gnomAD compares: Non-Finnish European, 0.012%; no homozygotes.

Submissions (2):

Labcorp Genetics (formerly Invitae), Labcorp
Classification: Likely benign for Baraitser-winter syndrome 2; Autosomal dominant nonsyndromic hearing loss 20. Last evaluated: 2026-01-12. Review status: criteria provided, single submitter. Criteria: Invitae Variant Classification Sherloc (09022015). Collection method: clinical testing. Allele origin: germline.

GeneDx
Classification: Likely benign. Last evaluated: 2017-04-03. Review status: criteria provided, single submitter. Criteria: GeneDx Variant Classification (06012015). Collection method: clinical testing. Allele origin: germline. Affected: yes.
Comment: This variant is considered likely benign or benign based on one or more of the following criteria: it is a conservative change, it occurs at a poorly conserved position in the protein, it is predicted to be benign by multiple in silico algorithms, and/or has population frequency not consistent with disease.

NM_001614.5(ACTG1):c.364-19G>T

Gene: ACTG1 (actin gamma 1; minus strand). Cytogenetic location: 17q25.3.
Variant type: single nucleotide variant.
Coding change: c.364-19G>T on transcript NM_001614.5 (MANE Select); 19 bases into the intron before coding-DNA position 364, G replaced by T.
Molecular consequence: intron variant.
Genome position (GRCh38, 1-based): chr17:81,511,645, C>A on the plus strand (G>T on the coding strand, the complement: ACTG1 is on the minus strand). VCF-style: chr17-81511645-C-A. GRCh37 (hg19) VCF-style: chr17-79478671-C-A.
Other names: c.364-19G>T (NM_001199954.3).
Identifiers: ClinVar variation 517846 (VCV000517846.9), dbSNP rs374818782, ClinGen allele CA8836102.